The following is an entry in ClinVar:

ClinVar aggregate classification (germline): Uncertain significance (1 of 4 stars; one submission).

Submission:

Ambry Genetics
Classification: Uncertain significance. Last evaluated: 2024-02-16. Review status: criteria provided, single submitter. Criteria: Ambry Variant Classification Scheme 2023. Collection method: clinical testing. Allele origin: germline.
Comment: The p.I35K variant (also known as c.104T>A), located in coding exon 1 of the ALPK2 gene, results from a T to A substitution at nucleotide position 104. The isoleucine at codon 35 is replaced by lysine, an amino acid with dissimilar properties. This amino acid position is conserved. In addition, the in silico prediction for this alteration is inconclusive. Based on the available evidence, the clinical significance of this alteration remains unclear.

NM_052947.4(ALPK2):c.104T>A (p.Ile35Lys)

Gene: ALPK2 (alpha kinase 2; minus strand). Cytogenetic location: 18q21.32.
Variant type: single nucleotide variant.
Coding change: c.104T>A on transcript NM_052947.4 (MANE Select); coding-DNA position 104, T replaced by A.
Protein change: p.Ile35Lys; replaces isoleucine 35 with lysine.
Molecular consequence: missense variant.
Genome position (GRCh38, 1-based): chr18:58,611,694, A>T on the plus strand (T>A on the coding strand, the complement: ALPK2 is on the minus strand). VCF-style: chr18-58611694-A-T. GRCh37 (hg19) VCF-style: chr18-56278926-A-T.
Other names: short protein forms I35K.
Identifiers: ClinVar variation 3228549 (VCV003228549.1), dbSNP rs2518915252, ClinGen allele CA402557823.